The following is an entry in ClinVar:

NM_000465.4(BARD1):c.1789T>C (p.Tyr597His)

Gene: BARD1 (BRCA1 associated RING domain 1; minus strand). Cytogenetic location: 2q35.
Variant type: single nucleotide variant.
Coding change: c.1789T>C on transcript NM_000465.4 (MANE Select); coding-DNA position 1789, T replaced by C.
Protein change: p.Tyr597His; replaces tyrosine 597 with histidine.
Molecular consequence: missense variant. On other transcripts: non-coding transcript variant (3), intron variant (1).
Genome position (GRCh38, 1-based): chr2:214,745,743, A>G on the plus strand (T>C on the coding strand, the complement: BARD1 is on the minus strand). VCF-style: chr2-214745743-A-G. GRCh37 (hg19) VCF-style: chr2-215610467-A-G.
Other names: c.1732T>C, p.Tyr578His (NM_001282543.2); c.436T>C, p.Tyr146His (NM_001282545.2); c.379T>C, p.Tyr127His (NM_001282548.2); c.365-15235T>C (NM_001282549.2); short protein forms Y597H, Y578H, Y127H, Y146H.
Identifiers: ClinVar variation 1780159 (VCV001780159.5), dbSNP rs2469342190, ClinGen allele CA350452591.

ClinVar aggregate classification (germline): Uncertain significance. Review status: criteria provided, multiple submitters, no conflicts (2 of 4 stars). 2 submissions from 2 submitters: Uncertain significance (2). Last evaluated 2023-06-27.

Conditions:
Hereditary cancer-predisposing syndrome. Also called: Neoplastic Syndromes, Hereditary; Tumor predisposition; Hereditary Cancer Syndrome; Hereditary neoplastic syndrome. Identifiers: Orphanet 140162, MedGen C0027672, MeSH D009386, MONDO:0015356.
Familial cancer of breast. Also called: BREAST CANCER, FAMILIAL; Hereditary breast cancer; hereditary breast carcinoma. Identifiers: Orphanet 227535, MedGen C0346153, MONDO:0016419, OMIM 114480. Disease mechanism: loss of function.

Submissions (2):

Labcorp Genetics (formerly Invitae), Labcorp
Classification: Uncertain significance for Familial cancer of breast. Last evaluated: 2023-06-27. Review status: criteria provided, single submitter. Criteria: Invitae Variant Classification Sherloc (09022015). Collection method: clinical testing. Allele origin: germline.
Comment: In summary, the available evidence is currently insufficient to determine the role of this variant in disease. Therefore, it has been classified as a Variant of Uncertain Significance. An algorithm developed to predict the effect of missense changes on protein structure and function (PolyPhen-2) suggests that this variant is likely to be tolerated. ClinVar contains an entry for this variant (Variation ID: 1780159). This variant has not been reported in the literature in individuals affected with BARD1-related conditions. This variant is not present in population databases (gnomAD no frequency). This sequence change replaces tyrosine, which is neutral and polar, with histidine, which is basic and polar, at codon 597 of the BARD1 protein (p.Tyr597His).

Ambry Genetics
Classification: Uncertain significance for Hereditary cancer-predisposing syndrome. Last evaluated: 2022-01-02. Review status: criteria provided, single submitter. Criteria: Ambry Variant Classification Scheme 2023. Collection method: clinical testing. Allele origin: germline.
Comment: The p.Y597H variant (also known as c.1789T>C), located in coding exon 8 of the BARD1 gene, results from a T to C substitution at nucleotide position 1789. The tyrosine at codon 597 is replaced by histidine, an amino acid with similar properties. This amino acid position is conserved. In addition, this alteration is predicted to be tolerated by in silico analysis. Since supporting evidence is limited at this time, the clinical significance of this alteration remains unclear.